The following is an entry in ClinVar:

ClinVar aggregate classification (germline): Uncertain significance (1 of 4 stars; one submission).

Submission:

GeneDx
Classification: Uncertain significance. Last evaluated: 2024-03-22. Review status: criteria provided, single submitter. Criteria: GeneDx Variant Classification Process June 2021. Collection method: clinical testing. Allele origin: germline. Affected: yes.
Comment: Not observed at significant frequency in large population cohorts (gnomAD); In silico analysis supports that this missense variant has a deleterious effect on protein structure/function; Has not been previously published as pathogenic or benign to our knowledge

NM_020297.4(ABCC9):c.1048A>G (p.Asn350Asp)

Gene: ABCC9 (ATP binding cassette subfamily C member 9; minus strand). Cytogenetic location: 12p12.1.
Variant type: single nucleotide variant.
Coding change: c.1048A>G on transcript NM_020297.4 (MANE Select); coding-DNA position 1048, A replaced by G.
Protein change: p.Asn350Asp; replaces asparagine 350 with aspartic acid.
Molecular consequence: missense variant.
Genome position (GRCh38, 1-based): chr12:21,910,942, T>C on the plus strand (A>G on the coding strand, the complement: ABCC9 is on the minus strand). VCF-style: chr12-21910942-T-C. GRCh37 (hg19) VCF-style: chr12-22063876-T-C.
Other names: c.1048A>G, p.Asn350Asp (NM_001377273.1, NM_005691.4); c.184A>G, p.Asn62Asp (NM_001377274.1); short protein forms N350D, N62D.
Identifiers: ClinVar variation 3371176 (VCV003371176.1).